The following is an entry in ClinVar:

ClinVar aggregate classification (germline): Likely benign. Review status: criteria provided, multiple submitters, no conflicts (2 of 4 stars). 4 submissions from 4 submitters: Likely benign (3). 1 of the submissions does not count toward it. Last evaluated 2025-12-23.

Conditions:
Inborn genetic diseases. Identifiers: MedGen C0950123, MeSH D030342.
Brachyolmia-amelogenesis imperfecta syndrome. Also called: PLATYSPONDYLY WITH AMELOGENESIS IMPERFECTA; Tooth agenesis, selective, 6; Dental anomalies and short stature. Identifiers: Orphanet 2899, MedGen C1832594, MONDO:0011018, OMIM 601216. Disease mechanism: loss of function.
LTBP3-related disorder. Also called: LTBP3-related condition.

Allele frequency attached by ClinVar (database versions not stated): ExAC 0.00002; gnomAD 0.00003; gnomAD exomes 0.00003 and 0.00007; TOPMed 0.00006.
gnomAD v4.1: 113 of 1,613,576 alleles (0.007%); highest among the groups gnomAD compares: Non-Finnish European, 0.0092%; no homozygotes.

Submissions (4):

Labcorp Genetics (formerly Invitae), Labcorp
Classification: Likely benign for Brachyolmia-amelogenesis imperfecta syndrome. Last evaluated: 2025-12-23. Review status: criteria provided, single submitter. Criteria: Invitae Variant Classification Sherloc (09022015). Collection method: clinical testing. Allele origin: germline.

Blueprint Genetics
Classification: Likely benign. Last evaluated: 2024-06-05. Review status: criteria provided, single submitter. Criteria: ACMG Guidelines, 2015. Collection method: clinical testing. Allele origin: germline.

Ambry Genetics
Classification: Likely benign for Inborn genetic diseases. Last evaluated: 2022-03-04. Review status: criteria provided, single submitter. Criteria: Ambry Variant Classification Scheme 2023. Collection method: clinical testing. Allele origin: germline.

PreventionGenetics, part of Exact Sciences
Classification: Likely benign for LTBP3-related condition. Last evaluated: 2019-05-07. Review status: no assertion criteria provided. Collection method: clinical testing. Allele origin: germline. Not counted in ClinVar's aggregate classification.
Comment: This variant is classified as likely benign based on ACMG/AMP sequence variant interpretation guidelines (Richards et al. 2015 PMID: 25741868, with internal and published modifications).

NM_001130144.3(LTBP3):c.3096G>A (p.Leu1032=)

Genes: LTBP3 (latent transforming growth factor beta binding protein 3; minus strand), LOC121832793 (Sharpr-MPRA regulatory region 4001; plus strand). Cytogenetic location: 11q13.1.
Variant type: single nucleotide variant.
Coding change: c.3096G>A on transcript NM_001130144.3 (MANE Select); coding-DNA position 3096, G replaced by A.
Protein change: p.Leu1032=; no amino-acid change (leucine 1032 retained).
Molecular consequence: synonymous variant.
Genome position (GRCh38, 1-based): chr11:65,540,496, C>T on the plus strand (G>A on the coding strand, the complement: LTBP3 is on the minus strand). VCF-style: chr11-65540496-C-T. GRCh37 (hg19) VCF-style: chr11-65307967-C-T.
Other names: c.2745G>A, p.Leu915= (NM_001164266.1); c.3096G>A, p.Leu1032= (NM_021070.4).
Identifiers: ClinVar variation 707160 (VCV000707160.15), dbSNP rs756994995, ClinGen allele CA6100359.